The following is an entry in ClinVar:

ClinVar aggregate classification (germline): Uncertain significance (1 of 4 stars; one submission).

Allele frequency attached by ClinVar (database versions not stated): gnomAD 0.00002 and 0.00005; TOPMed 0.00005; ExAC 0.00008.
gnomAD v4.1: 118 of 1,614,020 alleles (0.0073%); highest among the groups gnomAD compares: East Asian, 0.26%; no homozygotes.

Submission:

Labcorp Genetics (formerly Invitae), Labcorp
Classification: Uncertain significance. Last evaluated: 2024-02-17. Review status: criteria provided, single submitter. Criteria: Invitae Variant Classification Sherloc (09022015). Collection method: clinical testing. Allele origin: germline.
Comment: This sequence change replaces leucine, which is neutral and non-polar, with arginine, which is basic and polar, at codon 178 of the TOE1 protein (p.Leu178Arg). This variant is present in population databases (rs774216136, gnomAD 0.1%). This variant has not been reported in the literature in individuals affected with TOE1-related conditions. ClinVar contains an entry for this variant (Variation ID: 1448672). Advanced modeling of protein sequence and biophysical properties (such as structural, functional, and spatial information, amino acid conservation, physicochemical variation, residue mobility, and thermodynamic stability) performed at Invitae indicates that this missense variant is not expected to disrupt TOE1 protein function with a negative predictive value of 80%. In summary, the available evidence is currently insufficient to determine the role of this variant in disease. Therefore, it has been classified as a Variant of Uncertain Significance.

NM_025077.4(TOE1):c.533T>G (p.Leu178Arg)

Gene: TOE1 (target of EGR1, exonuclease; plus strand). Cytogenetic location: 1p34.1.
Variant type: single nucleotide variant.
Coding change: c.533T>G on transcript NM_025077.4 (MANE Select); coding-DNA position 533, T replaced by G.
Protein change: p.Leu178Arg; replaces leucine 178 with arginine.
Molecular consequence: missense variant.
Genome position (GRCh38, 1-based): chr1:45,342,424, T>G. VCF-style: chr1-45342424-T-G. GRCh37 (hg19) VCF-style: chr1-45808096-T-G.
Other names: short protein forms L178R.
Identifiers: ClinVar variation 1448672 (VCV001448672.7), dbSNP rs774216136, ClinGen allele CA826599.